The following is an entry in ClinVar:

ClinVar aggregate classification (germline): Uncertain significance (1 of 4 stars; one submission).

Conditions:
Hereditary sensory and autonomic neuropathy type 6. Also called: Neuropathy, hereditary sensory and autonomic, type VI; HSAN VI. Identifiers: Orphanet 314381, MedGen C3539003, MONDO:0013839, OMIM 614653.
Epidermolysis bullosa simplex 3, localized or generalized intermediate, with BP230 deficiency (EBS3). Also called: Epidermolysis bullosa simplex due to BP230 deficiency; Epidermolysis bullosa simplex, autosomal recessive 2. Identifiers: Orphanet 412181, MedGen C3809470, MONDO:0014180, OMIM 615425.

Submission:

Labcorp Genetics (formerly Invitae), Labcorp
Classification: Uncertain significance for Epidermolysis bullosa simplex 3, localized or generalized intermediate, with BP230 deficiency; Hereditary sensory and autonomic neuropathy type 6. Last evaluated: 2020-08-28. Review status: criteria provided, single submitter. Criteria: Invitae Variant Classification Sherloc (09022015). Collection method: clinical testing. Allele origin: germline.
Comment: This variant is not present in population databases (ExAC no frequency). This sequence change replaces methionine with isoleucine at codon 647 of the DST protein (p.Met647Ile). The methionine residue is highly conserved and there is a small physicochemical difference between methionine and isoleucine. This variant has not been reported in the literature in individuals with DST-related conditions. In summary, the available evidence is currently insufficient to determine the role of this variant in disease. Therefore, it has been classified as a Variant of Uncertain Significance. Algorithms developed to predict the effect of missense changes on protein structure and function are either unavailable or do not agree on the potential impact of this missense change (SIFT: "Deleterious"; PolyPhen-2: "Probably Damaging"; Align-GVGD: "Class C0").

NM_001374736.1(DST):c.3552G>A (p.Met1184Ile)

Gene: DST (dystonin; minus strand). Cytogenetic location: 6p12.1.
Variant type: single nucleotide variant.
Coding change: c.3552G>A on transcript NM_001374736.1 (MANE Select); coding-DNA position 3552, G replaced by A.
Protein change: p.Met1184Ile; replaces methionine 1184 with isoleucine.
Molecular consequence: missense variant.
Genome position (GRCh38, 1-based): chr6:56,634,201, C>T on the plus strand (G>A on the coding strand, the complement: DST is on the minus strand). VCF-style: chr6-56634201-C-T. GRCh37 (hg19) VCF-style: chr6-56498999-C-T.
Other names: c.3453G>A, p.Met1151Ile (NM_001144769.5); c.3039G>A, p.Met1013Ile (NM_001144770.2); c.3552G>A, p.Met1184Ile (NM_001374722.1); c.2919G>A, p.Met973Ile (NM_001374729.1, NM_001374730.1, NM_001386100.1 and 1 more transcripts); c.3579G>A, p.Met1193Ile (NM_001374734.1); c.1941G>A, p.Met647Ile (NM_001723.7, NM_015548.5); short protein forms M1013I, M1151I, M1184I, M1193I, M647I, M973I.
Identifiers: ClinVar variation 1051432 (VCV001051432.9), dbSNP rs2152764894, ClinGen allele CA364575672.